The following is an entry in ClinVar:

NM_001113378.2(FANCI):c.975+3A>G

Gene: FANCI (FA complementation group I; plus strand). Cytogenetic location: 15q26.1.
Variant type: single nucleotide variant.
Coding change: c.975+3A>G on transcript NM_001113378.2 (MANE Select); 3 bases into the intron after coding-DNA position 975, A replaced by G.
Molecular consequence: intron variant.
Genome position (GRCh38, 1-based): chr15:89,273,472, A>G. VCF-style: chr15-89273472-A-G. GRCh37 (hg19) VCF-style: chr15-89816703-A-G.
Other names: c.975+3A>G (NM_018193.3, NM_001376911.1); c.696+3A>G (NM_001376910.1).
Identifiers: ClinVar variation 1380386 (VCV001380386.5), dbSNP rs773615217, ClinGen allele CA7722843.
Genomic context (GRCh38, chr15:89,273,472, plus strand): 5'-TCCCTTCAGCATTGCTCTTCTTCTGTCTGTAACAAGAATACAAAGATTTCAGGACCAGGT[A>G]TTTTTTTAAAATGCCATTTTGTTTCTTTCTGTAGTTGGTAAAAAAAAAAAAAAAAAAAAA-3'

ClinVar aggregate classification (germline): Uncertain significance (1 of 4 stars; one submission).

Conditions:
Fanconi anemia (FA). Also called: Fanconi's anemia. Identifiers: Orphanet 84, MedGen C0015625, MeSH D005199, MONDO:0019391.

Allele frequency attached by ClinVar (database versions not stated): gnomAD 0.00001; gnomAD exomes 0.00001; TOPMed 0.00001; ExAC 0.00002.
gnomAD v4.1: 12 of 1,411,608 alleles (0.00085%); highest among the groups gnomAD compares: Non-Finnish European, 0.0012%; no homozygotes.

Submission:

Labcorp Genetics (formerly Invitae), Labcorp
Classification: Uncertain significance for Fanconi anemia. Last evaluated: 2024-04-08. Review status: criteria provided, single submitter. Criteria: Invitae Variant Classification Sherloc (09022015). Collection method: clinical testing. Allele origin: germline.
Comment: This sequence change falls in intron 11 of the FANCI gene. It does not directly change the encoded amino acid sequence of the FANCI protein. It affects a nucleotide within the consensus splice site. This variant is present in population databases (rs773615217, gnomAD 0.003%). This variant has not been reported in the literature in individuals affected with FANCI-related conditions. ClinVar contains an entry for this variant (Variation ID: 1380386). Variants that disrupt the consensus splice site are a relatively common cause of aberrant splicing (PMID: 17576681, 9536098). Algorithms developed to predict the effect of sequence changes on RNA splicing suggest that this variant may disrupt the consensus splice site. In summary, the available evidence is currently insufficient to determine the role of this variant in disease. Therefore, it has been classified as a Variant of Uncertain Significance.

Literature cited by the submitters: PubMed 17576681; PubMed 9536098.